The following is an entry in ClinVar:

NM_001374828.1(ARID1B):c.5511C>T (p.Asn1837=)

Gene: ARID1B (AT-rich interaction domain 1B; plus strand). Cytogenetic location: 6q25.3.
Variant type: single nucleotide variant.
Coding change: c.5511C>T on transcript NM_001374828.1 (MANE Select); coding-DNA position 5511, C replaced by T.
Protein change: p.Asn1837=; no amino-acid change (asparagine 1837 retained).
Molecular consequence: synonymous variant.
Genome position (GRCh38, 1-based): chr6:157,206,283, C>T. VCF-style: chr6-157206283-C-T. GRCh37 (hg19) VCF-style: chr6-157527417-C-T.
Other names: c.5262C>T, p.Asn1754= (NM_001346813.1); c.3012C>T, p.Asn1004= (NM_001363725.2); c.5391C>T, p.Asn1797= (NM_001371656.1, NM_001374820.1); c.5352C>T, p.Asn1784= (NM_017519.3); c.5142C>T, p.Asn1714= (NM_020732.3); c.4929C>T, p.Asn1643= (NM_175863.2).
Identifiers: ClinVar variation 2725568 (VCV002725568.6), dbSNP rs145867693, ClinGen allele CA4067847.

ClinVar aggregate classification (germline): Likely benign. Review status: criteria provided, multiple submitters, no conflicts (2 of 4 stars). 3 submissions from 3 submitters: Likely benign (2). 1 of the submissions does not count toward it. Last evaluated 2025-11-13.

Conditions:
ARID1B-Related Disorder. Identifiers: MedGen CN381337.

Allele frequency attached by ClinVar (database versions not stated): ExAC 0.00003; gnomAD exomes 0.00007; ESP Exome Variant Server 0.00008; TOPMed 0.00009; gnomAD 0.00011.
gnomAD v4.1: 126 of 1,614,098 alleles (0.0078%); highest among the groups gnomAD compares: African/African-American, 0.023%; no homozygotes.

Submissions (3):

Labcorp Genetics (formerly Invitae), Labcorp
Classification: Likely benign. Last evaluated: 2025-11-13. Review status: criteria provided, single submitter. Criteria: Invitae Variant Classification Sherloc (09022015). Collection method: clinical testing. Allele origin: germline.

Blueprint Genetics
Classification: Likely benign. Last evaluated: 2024-11-11. Review status: criteria provided, single submitter. Criteria: ACMG Guidelines, 2015. Collection method: clinical testing. Allele origin: germline.

PreventionGenetics, part of Exact Sciences
Classification: Likely benign for ARID1B-related condition. Last evaluated: 2019-07-22. Review status: no assertion criteria provided. Collection method: clinical testing. Allele origin: germline. Not counted in ClinVar's aggregate classification.
Comment: This variant is classified as likely benign based on ACMG/AMP sequence variant interpretation guidelines (Richards et al. 2015 PMID: 25741868, with internal and published modifications).